The following is an entry in ClinVar:

NM_000245.4(MET):c.4117G>C (p.Asp1373His)

Gene: MET (MET proto-oncogene, receptor tyrosine kinase; plus strand). Cytogenetic location: 7q31.2.
Variant type: single nucleotide variant.
Coding change: c.4117G>C on transcript NM_000245.4 (MANE Select); coding-DNA position 4117, G replaced by C.
Protein change: p.Asp1373His; replaces aspartic acid 1373 with histidine.
Molecular consequence: missense variant.
Genome position (GRCh38, 1-based): chr7:116,796,068, G>C. VCF-style: chr7-116796068-G-C. GRCh37 (hg19) VCF-style: chr7-116436122-G-C.
Other names: c.4171G>C, p.Asp1391His (LRG_662t1, NM_001127500.3); c.2827G>C, p.Asp943His (NM_001324402.2); c.4171G>C (NM_001127500.2); short protein forms D1391H, D943H, D1373H.
Identifiers: ClinVar variation 93577 (VCV000093577.22), dbSNP rs398123570, ClinGen allele CA221509.

ClinVar aggregate classification (germline): Conflicting classifications of pathogenicity. Review status: criteria provided, conflicting classifications (1 of 4 stars). 6 submissions from 6 submitters: Uncertain significance (3); Likely benign (3). Last evaluated 2026-02-11.

Conditions:
MET-related disorder. Also called: MET-related condition.
Renal cell carcinoma. Identifiers: Orphanet 217071, MedGen C0007134, MeSH D002292, MONDO:0005086, HP:0005584.
Hereditary cancer-predisposing syndrome. Also called: Tumor predisposition; Neoplastic Syndromes, Hereditary; Hereditary neoplastic syndrome; Hereditary Cancer Syndrome. Identifiers: Orphanet 140162, MedGen C0027672, MeSH D009386, MONDO:0015356.
Papillary renal cell carcinoma type 1 (RCCP1). Also called: RENAL CELL CARCINOMA, PAPILLARY, 1, SOMATIC; Renal adenocarcinoma; Renal cell carcinoma 1; Renal cell carcinoma, somatic. Identifiers: Orphanet 47044, MedGen C1336839, OMIM 605074, HP:0011797.

Allele frequency attached by ClinVar (database versions not stated): ExAC 0.00011; gnomAD exomes 0.00012 and 0.00007; gnomAD 0.00003; TOPMed 0.00007.
gnomAD v4.1: 44 of 1,613,908 alleles (0.0027%); highest among the groups gnomAD compares: Admixed American, 0.073%; 1 homozygote.

Submissions (6):

St. Jude Molecular Pathology, St. Jude Children's Research Hospital
Classification: Uncertain significance for Papillary renal cell carcinoma type 1. Last evaluated: 2026-02-11. Review status: criteria provided, single submitter. Criteria: St. Jude Assertion Criteria 2020. Collection method: clinical testing. Allele origin: germline.
Comment: The MET c.4171G>C p.(Asp1391His) missense change has a maximum subpopulation frequency of 0.088% in gnomAD v2.1.1. The in silico tool REVEL predicts a benign effect on protein function, but to our knowledge this prediction has not been confirmed by functional studies. To our knowledge, this variant has not been reported in individuals with hereditary papillary renal cell carcinoma. In summary, the evidence currently available is insufficient to determine the clinical significance of this variant. It has therefore been classified as of uncertain significance.

Labcorp Genetics (formerly Invitae), Labcorp
Classification: Likely benign for Renal cell carcinoma. Last evaluated: 2026-01-25. Review status: criteria provided, single submitter. Criteria: Invitae Variant Classification Sherloc (09022015). Collection method: clinical testing. Allele origin: germline.

PreventionGenetics, part of Exact Sciences
Classification: Likely benign for MET-related condition. Last evaluated: 2025-01-17. Review status: criteria provided, single submitter. Criteria: ACMG Guidelines, 2015. Collection method: clinical testing. Allele origin: germline.
Comment: This variant is classified as likely benign based on ACMG/AMP sequence variant interpretation guidelines (Richards et al. 2015 PMID: 25741868, with internal and published modifications).

Quest Diagnostics Nichols Institute San Juan Capistrano
Classification: Uncertain significance. Last evaluated: 2024-11-16. Review status: criteria provided, single submitter. Criteria: Quest Diagnostics criteria. Collection method: clinical testing. Allele origin: unknown.
Comment: The MET c.4171G>C (p.Asp1391His) variant (also known as (p.Asp1373His) in a different isoform) variant has not been reported in the published literature in the germline state of an individual affected with a MET-related disease. The frequency of this variant in the general population, 0.00088 (31/35372 chromosomes in Latino/Admixed American subpopulation (Genome Aggregation Database)), is higher than would generally be expected for pathogenic variants in this gene. Analysis of this variant using bioinformatics tools for the prediction of the effect of amino acid changes on protein structure and function yielded conflicting predictions that this variant is benign or damaging. Based on the available information, we are unable to determine the clinical significance of this variant.

Ambry Genetics
Classification: Likely benign for Hereditary cancer-predisposing syndrome. Last evaluated: 2020-10-15. Review status: criteria provided, single submitter. Criteria: Ambry Variant Classification Scheme 2023. Collection method: clinical testing. Allele origin: germline.

Eurofins Ntd Llc (ga)
Classification: Uncertain significance. Last evaluated: 2015-03-16. Review status: criteria provided, single submitter. Criteria: EGL Classification Definitions 2015. Collection method: clinical testing. Allele origin: germline. Observed: 1 variant allele, 1 heterozygote.

Literature cited by the submitters: PubMed 33437521 (cited by Quest Diagnostics Nichols Institute San Juan Capistrano); PubMed 29562902 (cited by Quest Diagnostics Nichols Institute San Juan Capistrano).